The following is an entry in ClinVar:

ClinVar aggregate classification (germline): Pathogenic. Review status: reviewed by expert panel (3 of 4 stars). 7 submissions from 7 submitters: Pathogenic (1). 6 of the submissions do not count toward it. Last evaluated 2016-09-08.

Conditions:
Hereditary cancer-predisposing syndrome. Also called: Hereditary Cancer Syndrome; Hereditary neoplastic syndrome; Neoplastic Syndromes, Hereditary; Tumor predisposition. Identifiers: Orphanet 140162, MedGen C0027672, MeSH D009386, MONDO:0015356.
Breast-ovarian cancer, familial, susceptibility to, 1 (BROVCA1). Also called: BRCA1 Hereditary Breast and Ovarian Cancer; OVARIAN CANCER, SUSCEPTIBILITY TO. Identifiers: Orphanet 145, MedGen C2676676, MONDO:0011450, OMIM 604370. Disease mechanism: loss of function.
Hereditary breast ovarian cancer syndrome. Also called: BRCA1- and BRCA2-Associated Hereditary Breast and Ovarian Cancer; Hereditary breast and ovarian cancer syndrome; Hereditary breast and ovarian cancer syndrome (HBOC); Breast and ovarian cancer; Hereditary breast and/or ovarian cancer syndrome; Hereditary breast and ovarian cancer. Identifiers: Orphanet 145, MedGen C0677776, MeSH D061325, MONDO:0003582. Disease mechanism: loss of function.

Submissions (8):

Evidence-based Network for the Interpretation of Germline Mutant Alleles (ENIGMA)
Classification: Pathogenic for Breast-ovarian cancer, familial, susceptibility to, 1. Last evaluated: 2016-09-08. Review status: reviewed by expert panel. Criteria: ENIGMA BRCA1/2 Classification Criteria (2015). Collection method: curation. Allele origin: germline.
Comment: Variant allele predicted to encode a truncated non-functional protein.

Labcorp Genetics (formerly Invitae), Labcorp
Classification: Pathogenic for Hereditary breast ovarian cancer syndrome. Last evaluated: 2024-10-09. Review status: criteria provided, single submitter. Criteria: Invitae Variant Classification Sherloc (09022015). Collection method: clinical testing. Allele origin: germline. Not counted in ClinVar's aggregate classification.
Comment: This sequence change creates a premature translational stop signal (p.Glu1725*) in the BRCA1 gene. It is expected to result in an absent or disrupted protein product. Loss-of-function variants in BRCA1 are known to be pathogenic (PMID: 20104584). This variant is not present in population databases (gnomAD no frequency). This premature translational stop signal has been observed in individual(s) with breast and/or ovarian cancer (PMID: 30702160). ClinVar contains an entry for this variant (Variation ID: 55442). Algorithms developed to predict the effect of sequence changes on RNA splicing suggest that this variant may disrupt the consensus splice site. For these reasons, this variant has been classified as Pathogenic.

Quest Diagnostics Nichols Institute San Juan Capistrano
Classification: Pathogenic. Last evaluated: 2024-01-09. Review status: criteria provided, single submitter. Criteria: Quest Diagnostics criteria. Collection method: clinical testing. Allele origin: unknown. Not counted in ClinVar's aggregate classification.
Comment: The BRCA1 c.5173G>T (p.Glu1725*) variant causes the premature termination of BRCA1 protein synthesis. This variant has been reported in the published literature in individuals affected with breast and/or ovarian cancer (PMIDs: 30702160 (2019), 15951958 (2005)). This variant has not been reported in large, multi-ethnic general populations (Genome Aggregation Database). Based on the available information, this variant is classified as pathogenic.

Color Diagnostics, LLC DBA Color Health
Classification: Pathogenic for Hereditary cancer-predisposing syndrome. Last evaluated: 2020-01-15. Review status: criteria provided, single submitter. Criteria: ACMG Guidelines, 2015. Collection method: clinical testing. Allele origin: germline. Not counted in ClinVar's aggregate classification.
Comment: This variant changes 1 nucleotide in exon 18 of the BRCA1 gene, creating a premature translation stop signal. This variant is expected to result in an absent or non-functional protein product. This variant has not been identified in the general population by the Genome Aggregation Database (gnomAD). Loss of BRCA1 function is a known mechanism of disease. Based on the available evidence, this variant is classified as Pathogenic.

GeneDx
Classification: Pathogenic. Last evaluated: 2015-10-22. Review status: criteria provided, single submitter. Criteria: GeneDx Variant Classification (06012015). Collection method: clinical testing. Allele origin: germline. Affected: yes. Not counted in ClinVar's aggregate classification.
Comment: This pathogenic variant is denoted BRCA1 c.5173G>T at the cDNA level and p.Glu1725Ter (E1725X) at the protein level. Using alternate nomenclature this variant would be defined as BRCA2 5292G>T. The substitution creates a nonsense variant, which changes a Glutamic Acid to a premature stop codon (GAA>TAA), and is predicted to cause loss of normal protein function through either protein truncation or nonsense-mediated mRNA decay. This variant has been reported in a family with several breast and ovarian cancer diagnoses (Bergman 2005) and is considered pathogenic.

BRCAlab, Lund University
Classification: Pathogenic for Breast-ovarian cancer, familial, susceptibility to, 1. Last evaluated: 2020-03-02. Review status: no assertion criteria provided. Collection method: clinical testing. Allele origin: germline. Affected: yes. Not counted in ClinVar's aggregate classification.

Breast Cancer Information Core (BIC) (BRCA1)
Classification: Pathogenic for Breast-ovarian cancer, familial 1. Last evaluated: 1999-12-30. Review status: no assertion criteria provided. Collection method: clinical testing. Allele origin: germline, somatic. Affected: yes. Observed: 2 variant alleles. Not counted in ClinVar's aggregate classification.

Brotman Baty Institute, University of Washington
No classification provided (evidence only). Condition: Breast-ovarian cancer, familial 1. Review status: no classification provided. Collection method: in vitro. Allele origin: not applicable. Functional consequence: functionally_abnormal. Not counted in ClinVar's aggregate classification.
ClinVar note: "not provided" was previously submitted as the classification for the variant. However, the classification appeared to be based only on an observation of functional data so it was converted to no classification on 2025-07-30.

Literature cited by the submitters: PubMed 20104584 (cited by Labcorp Genetics (formerly Invitae), Labcorp); PubMed 30702160 (cited by Labcorp Genetics (formerly Invitae), Labcorp and Quest Diagnostics Nichols Institute San Juan Capistrano); PubMed 15951958 (cited by Quest Diagnostics Nichols Institute San Juan Capistrano).

NM_007294.4(BRCA1):c.5173G>T (p.Glu1725Ter)

Gene: BRCA1 (BRCA1 DNA repair associated; minus strand). Cytogenetic location: 17q21.31.
Variant type: single nucleotide variant.
Coding change: c.5173G>T on transcript NM_007294.4 (MANE Select); coding-DNA position 5173, G replaced by T.
Protein change: p.Glu1725Ter; replaces glutamic acid 1725 with a stop codon.
Molecular consequence: nonsense. On other transcripts: non-coding transcript variant (1).
Genome position (GRCh38, 1-based): chr17:43,063,353, C>A on the plus strand (G>T on the coding strand, the complement: BRCA1 is on the minus strand). VCF-style: chr17-43063353-C-A. GRCh37 (hg19) VCF-style: chr17-41215370-C-A.
Other names: c.1861G>T, p.Glu621Ter (NM_001407990.1, NM_001407991.1, NM_001407992.1 and 13 more transcripts); c.1858G>T, p.Glu620Ter (NM_001408392.1, NM_001408396.1, NM_001408473.1 and 8 more transcripts); c.1855G>T, p.Glu619Ter (NM_001408407.1, NM_001408408.1, NM_001408406.1); c.1852G>T, p.Glu618Ter (NM_001408409.1); c.1789G>T, p.Glu597Ter (NM_001408410.1); c.1786G>T, p.Glu596Ter (NM_001408411.1); c.1783G>T, p.Glu595Ter (NM_001408412.1, NM_001408413.1, NM_001408414.1 and 2 more transcripts); c.1735G>T, p.Glu579Ter (NM_001408446.1, NM_001408447.1, NM_001408448.1 and 2 more transcripts); and 72 more; short protein forms E1725*, E621*, E1678*, E1746*, E1429*, E1598*, E1614*, E1653*.
Identifiers: ClinVar variation 55442 (VCV000055442.16), dbSNP rs80357291, ClinGen allele CA003319.